The following is an entry in ClinVar:

NM_000569.8(FCGR3A):c.194G>A (p.Ser65Asn)

Gene: FCGR3A (Fc gamma receptor IIIa; minus strand). Cytogenetic location: 1q23.3.
Variant type: single nucleotide variant.
Coding change: c.194G>A on transcript NM_000569.8 (MANE Select); coding-DNA position 194, G replaced by A.
Protein change: p.Ser65Asn; replaces serine 65 with asparagine.
Molecular consequence: missense variant.
Genome position (GRCh38, 1-based): chr1:161,548,546, C>T on the plus strand (G>A on the coding strand, the complement: FCGR3A is on the minus strand). VCF-style: chr1-161548546-C-T. GRCh37 (hg19) VCF-style: chr1-161518336-C-T.
Other names: c.506G>A, p.Ser169Asn (NM_001127592.2); c.194G>A, p.Ser65Asn (NM_001127593.1, NM_001127595.2, NM_001329120.2); c.191G>A, p.Ser64Asn (NM_001127596.2, NM_001386450.1); c.509G>A, p.Ser170Asn (NM_001329122.1); short protein forms S65N, S64N, S169N, S170N.
Identifiers: ClinVar variation 156330 (VCV000156330.6), dbSNP rs77144485, ClinGen allele CA233189.
Genomic context (GRCh38, chr1:161,548,546, plus strand): 5'-CCACTGTCGTCGACTGTGGCAGCGTCAATGAAGTAGCTCGAGGCCTGGCTTGAGATGAGG[C>T]TCTCATTGTGAAACCACTGTGTGGAATTGTCCTCAGGGGAGTAGGCTCCCTGGCACTTCA-3'
Protein context (NP_000560.7, residues 55-75): DNSTQWFHNE[Ser65Asn]LISSQASSYF

ClinVar aggregate classification (germline): Benign. Review status: criteria provided, multiple submitters, no conflicts (2 of 4 stars). 2 submissions from 2 submitters: Benign (2). Last evaluated 2016-03-28.

Allele frequency attached by ClinVar (database versions not stated): 1000 Genomes Project 30x 0.32152; gnomAD exomes 0.09640; ExAC 0.10154.

Submissions (2):

Laboratory for Molecular Medicine, Mass General Brigham Personalized Medicine
Classification: Benign. Last evaluated: 2016-03-28. Review status: criteria provided, single submitter. Criteria: LMM Criteria. Collection method: clinical testing. Allele origin: germline.
Comment: Variant identified in a genome or exome case(s) and assessed due to predicted null impact of the variant or pathogenic assertions in the literature or databases. Disclaimer: This variant has not undergone full assessment. The following are preliminary notes: Frequency

Breakthrough Genomics
Classification: Benign. Review status: criteria provided, single submitter. Criteria: ACMG Guidelines, 2015. Collection method: not provided. Allele origin: germline. Inheritance: Autosomal recessive inheritance. Affected: yes.